The following is an entry in ClinVar:

ClinVar aggregate classification (germline): Uncertain significance (1 of 4 stars; one submission).

Conditions:
Inborn genetic diseases. Identifiers: MedGen C0950123, MeSH D030342.

gnomAD v4.1: 7 of 1,541,402 alleles (0.00045%); highest among the groups gnomAD compares: Admixed American, 0.0078%; no homozygotes.

Submission:

Ambry Genetics
Classification: Uncertain significance for Inborn genetic diseases. Last evaluated: 2026-05-03. Review status: criteria provided, single submitter. Criteria: Ambry Variant Classification Scheme 2023. Collection method: clinical testing. Allele origin: germline.
Comment: The p.P98S variant (also known as c.292C>T), located in coding exon 1 of the SDHAF1 gene, results from a C to T substitution at nucleotide position 292. The proline at codon 98 is replaced by serine, an amino acid with similar properties. This amino acid position is conserved. In addition, this alteration is predicted to be tolerated by in silico analysis. Based on the available evidence, the clinical significance of this variant remains unclear.

NM_001042631.3(SDHAF1):c.292C>T (p.Pro98Ser)

Genes: SDHAF1 (succinate dehydrogenase complex assembly factor 1; plus strand), LOC130064281 (ATAC-STARR-seq lymphoblastoid silent region 10546; plus strand). Cytogenetic location: 19q13.12.
Variant type: single nucleotide variant.
Coding change: c.292C>T on transcript NM_001042631.3 (MANE Select); coding-DNA position 292, C replaced by T.
Protein change: p.Pro98Ser; replaces proline 98 with serine.
Molecular consequence: missense variant.
Genome position (GRCh38, 1-based): chr19:35,995,566, C>T. VCF-style: chr19-35995566-C-T. GRCh37 (hg19) VCF-style: chr19-36486468-C-T.
Other names: short protein forms P98S.
Identifiers: ClinVar variation 4630404 (VCV004630404.2).
Genomic context (GRCh38, chr19:35,995,566, plus strand): 5'-CCGCGGGCCCCGACCGGGGAGCCTGGCGGCGTGGGTTGCCAGCCTGACGACGGCGACAGT[C>T]CAAGGAACCCCCACGACAGCACGGGGGCACCGGAGACCCGCCCCGACGGACGGTGACAGG-3'
Protein context (NP_001036096.2, residues 88-108): VGCQPDDGDS[Pro98Ser]RNPHDSTGAP